The following is an entry in ClinVar:

NM_006516.4(SLC2A1):c.679+1G>A

Gene: SLC2A1 (solute carrier family 2 member 1; minus strand). Cytogenetic location: 1p34.2.
Variant type: single nucleotide variant.
Coding change: c.679+1G>A on transcript NM_006516.4 (MANE Select); the canonical splice donor site of the intron after coding-DNA position 679, G replaced by A.
Molecular consequence: splice donor variant.
Genome position (GRCh38, 1-based): chr1:42,929,872, C>T on the plus strand (G>A on the coding strand, the complement: SLC2A1 is on the minus strand). VCF-style: chr1-42929872-C-T. GRCh37 (hg19) VCF-style: chr1-43395543-C-T.
Identifiers: ClinVar variation 1699946 (VCV001699946.2), dbSNP rs1553156086, ClinGen allele CA339958430.

ClinVar aggregate classification (germline): Pathogenic. Review status: criteria provided, single submitter (1 of 4 stars). 2 submissions from 2 submitters: Pathogenic (1). 1 of the submissions does not count toward it. Last evaluated 2024-01-04.

Conditions:
Epilepsy, idiopathic generalized, susceptibility to, 12 (EIG12). Identifiers: MedGen C3553859, MONDO:0013919, OMIM 614847.
Encephalopathy due to GLUT1 deficiency. Also called: De Vivo disease; Glucose transporter protein syndrome; GLUT1 deficiency syndrome 1, infantile onset, severe; Classic Glucose Transporter Type 1 Deficiency Syndrome; GLUCOSE TRANSPORT DEFECT, BLOOD-BRAIN BARRIER; GLUT1 deficiency syndrome 1. Identifiers: Orphanet 71277, MedGen C4551966, MONDO:0011724, OMIM 606777.

Submissions (2):

3billion
Classification: Pathogenic for Encephalopathy due to GLUT1 deficiency. Last evaluated: 2024-01-04. Review status: criteria provided, single submitter. Criteria: ACMG Guidelines, 2015. Collection method: clinical testing. Allele origin: germline. Affected: yes.
Comment: The variant is not observed in the gnomAD v2.1.1 dataset. Predicted Consequence/Location: Canonical splice site: predicted to alter splicing and result in a loss or disruption of normal protein function. Multiple pathogenic loss-of-function variants are reported downstream of the variant. In silico tools predict the variant to alter splicing and produce an abnormal transcript [Splice AI: 0.99 (spliceogenicity >=0.2, non-spliceogenicity <0.1)]. The variant has been reported to be associated with SLC2A1-related disorder (ClinVar ID: VCV001699946 /PMID: 22011817). Therefore, this variant is classified as Pathogenic according to the recommendation of ACMG/AMP guideline.

Cytogénomique, Hospices Civils de Lyon
Classification: Likely pathogenic for Epilepsy, idiopathic generalized, susceptibility to, 12. Review status: no assertion criteria provided. Collection method: clinical testing. Allele origin: unknown. Inheritance: Autosomal dominant inheritance. Affected: yes. Not counted in ClinVar's aggregate classification.

Literature cited by the submitters: PubMed 22011817 (cited by 3billion).